The following is an entry in ClinVar:

ClinVar aggregate classification (germline): Uncertain significance (1 of 4 stars; one submission).

Conditions:
Wilson-Turner syndrome (WTS). Also called: INTELLECTUAL DEVELOPMENTAL DISORDER, X-LINKED, SYNDROMIC, WILSON-TURNER TYPE; MENTAL RETARDATION, X-LINKED, SYNDROMIC 6. Identifiers: Orphanet 3459, MedGen C1839736, MONDO:0010665, OMIM 309585.

Submission:

Labcorp Genetics (formerly Invitae), Labcorp
Classification: Uncertain significance for Wilson-Turner syndrome. Last evaluated: 2021-06-23. Review status: criteria provided, single submitter. Criteria: Invitae Variant Classification Sherloc (09022015). Collection method: clinical testing. Allele origin: germline.
Comment: This sequence change replaces arginine with isoleucine at codon 630 of the LAS1L protein (p.Arg630Ile). The arginine residue is moderately conserved and there is a moderate physicochemical difference between arginine and isoleucine. This variant is not present in population databases (ExAC no frequency). This variant has not been reported in the literature in individuals affected with LAS1L-related conditions. Algorithms developed to predict the effect of missense changes on protein structure and function are either unavailable or do not agree on the potential impact of this missense change (SIFT: "Deleterious"; PolyPhen-2: "Benign"; Align-GVGD: "Class C0"). In summary, the available evidence is currently insufficient to determine the role of this variant in disease. Therefore, it has been classified as a Variant of Uncertain Significance.

NM_031206.7(LAS1L):c.1889G>T (p.Arg630Ile)

Gene: LAS1L (LAS1 like ribosome biogenesis factor; minus strand). Cytogenetic location: Xq12.
Variant type: single nucleotide variant.
Coding change: c.1889G>T on transcript NM_031206.7 (MANE Select); coding-DNA position 1889, G replaced by T.
Protein change: p.Arg630Ile; replaces arginine 630 with isoleucine.
Molecular consequence: missense variant. On other transcripts: non-coding transcript variant (1).
Genome position (GRCh38, 1-based): chrX:65,518,025, C>A on the plus strand (G>T on the coding strand, the complement: LAS1L is on the minus strand). VCF-style: chrX-65518025-C-A. GRCh37 (hg19) VCF-style: chrX-64737905-C-A.
Other names: c.1838G>T, p.Arg613Ile (NM_001170649.2, NM_001375333.1); c.1712G>T, p.Arg571Ile (NM_001170650.2); c.1889G>T, p.Arg630Ile (NM_001375328.1); c.932G>T, p.Arg311Ile (NM_001375332.1); short protein forms R311I, R571I, R613I, R630I.
Identifiers: ClinVar variation 1402244 (VCV001402244.10), dbSNP rs2148270017, ClinGen allele CA413314783.